The following is an entry in ClinVar:

NM_001378454.1(ALMS1):c.5849T>C (p.Ile1950Thr)

Gene: ALMS1 (ALMS1 centrosome and basal body associated protein; plus strand). Cytogenetic location: 2p13.1.
Variant type: single nucleotide variant.
Coding change: c.5849T>C on transcript NM_001378454.1 (MANE Select); coding-DNA position 5849, T replaced by C.
Protein change: p.Ile1950Thr; replaces isoleucine 1950 with threonine.
Molecular consequence: missense variant.
Genome position (GRCh38, 1-based): chr2:73,452,376, T>C. VCF-style: chr2-73452376-T-C. GRCh37 (hg19) VCF-style: chr2-73679503-T-C.
Other names: c.5852T>C, p.Ile1951Thr (NM_015120.4); short protein forms I1951T, I1950T.
Identifiers: ClinVar variation 549925 (VCV000549925.7), dbSNP rs773754661, ClinGen allele CA1713952.

ClinVar aggregate classification (germline): Uncertain significance. Review status: criteria provided, multiple submitters, no conflicts (2 of 4 stars). 3 submissions from 3 submitters: Uncertain significance (2). 1 of the submissions does not count toward it. Last evaluated 2025-09-15.

Conditions:
Alstrom syndrome (ALMS). Identifiers: Orphanet 64, MedGen C0268425, MONDO:0008763, OMIM 203800.

Allele frequency attached by ClinVar (database versions not stated): gnomAD exomes 0.00001; TOPMed 0.00001; ExAC 0.00002; gnomAD 0.00003.
gnomAD v4.1: 24 of 1,613,748 alleles (0.0015%); highest among the groups gnomAD compares: Non-Finnish European, 0.0017%; no homozygotes.

Submissions (3):

Labcorp Genetics (formerly Invitae), Labcorp
Classification: Uncertain significance for Alstrom syndrome. Last evaluated: 2025-09-15. Review status: criteria provided, single submitter. Criteria: Invitae Variant Classification Sherloc (09022015). Collection method: clinical testing. Allele origin: germline.
Comment: This sequence change replaces isoleucine, which is neutral and non-polar, with threonine, which is neutral and polar, at codon 1951 of the ALMS1 protein (p.Ile1951Thr). This variant is present in population databases (rs773754661, gnomAD 0.004%). This variant has not been reported in the literature in individuals affected with ALMS1-related conditions. ClinVar contains an entry for this variant (Variation ID: 549925). Experimental studies and prediction algorithms are not available or were not evaluated, and the functional significance of this variant is currently unknown. In summary, the available evidence is currently insufficient to determine the role of this variant in disease. Therefore, it has been classified as a Variant of Uncertain Significance.

Fulgent Genetics
Classification: Uncertain significance for Alstrom syndrome. Last evaluated: 2021-08-25. Review status: criteria provided, single submitter. Criteria: ACMG Guidelines, 2015. Collection method: clinical testing. Allele origin: unknown.

Counsyl
Classification: Uncertain significance for Alstrom syndrome. Last evaluated: 2017-01-16. Review status: no assertion criteria provided. Collection method: clinical testing. Allele origin: unknown. Not counted in ClinVar's aggregate classification.